The following is an entry in ClinVar:

NM_001330700.2(TOP2B):c.2755A>G (p.Thr919Ala)

Gene: TOP2B (DNA topoisomerase II beta; minus strand). Cytogenetic location: 3p24.2.
Variant type: single nucleotide variant.
Coding change: c.2755A>G on transcript NM_001330700.2 (MANE Select); coding-DNA position 2755, A replaced by G.
Protein change: p.Thr919Ala; replaces threonine 919 with alanine.
Molecular consequence: missense variant.
Genome position (GRCh38, 1-based): chr3:25,620,789, T>C on the plus strand (A>G on the coding strand, the complement: TOP2B is on the minus strand). VCF-style: chr3-25620789-T-C. GRCh37 (hg19) VCF-style: chr3-25662280-T-C.
Other names: c.2740A>G, p.Thr914Ala (NM_001068.3); short protein forms T914A, T919A.
Identifiers: ClinVar variation 1718487 (VCV001718487.5), dbSNP rs2470328364, ClinGen allele CA351899683.

ClinVar aggregate classification (germline): Uncertain significance (1 of 4 stars; one submission).

Allele frequency attached by ClinVar (database versions not stated): gnomAD exomes below 0.00001.
gnomAD v4.1: 2 of 1,613,562 alleles (0.00012%); highest among the groups gnomAD compares: African/African-American, 0.0027%; no homozygotes.

Submission:

Labcorp Genetics (formerly Invitae), Labcorp
Classification: Uncertain significance. Last evaluated: 2022-08-31. Review status: criteria provided, single submitter. Criteria: Invitae Variant Classification Sherloc (09022015). Collection method: clinical testing. Allele origin: germline.
Comment: In summary, the available evidence is currently insufficient to determine the role of this variant in disease. Therefore, it has been classified as a Variant of Uncertain Significance. Algorithms developed to predict the effect of missense changes on protein structure and function (SIFT, PolyPhen-2, Align-GVGD) all suggest that this variant is likely to be tolerated. This variant has not been reported in the literature in individuals affected with TOP2B-related conditions. This variant is not present in population databases (gnomAD no frequency). This sequence change replaces threonine, which is neutral and polar, with alanine, which is neutral and non-polar, at codon 914 of the TOP2B protein (p.Thr914Ala).